The following is an entry in ClinVar:

ClinVar aggregate classification (germline): Likely benign (1 of 4 stars; one submission).

gnomAD v4.1: 3 of 1,614,198 alleles (0.00019%); highest among the groups gnomAD compares: Admixed American, 0.005%; no homozygotes.

Submission:

CeGaT Center for Human Genetics Tuebingen
Classification: Likely benign. Last evaluated: 2026-08-01. Review status: criteria provided, single submitter. Criteria: CeGaT Center For Human Genetics Tuebingen Variant Classification Criteria Version 2. Collection method: clinical testing. Allele origin: germline. Affected: yes. Observed: 1 variant allele.
Comment: RORA: BP4, BP7

NM_134261.3(RORA):c.196+51372G>A

Genes: RORA (RAR related orphan receptor A; minus strand), RORA-AS1 (RORA antisense RNA 1; plus strand). Cytogenetic location: 15q22.2.
Variant type: single nucleotide variant.
Coding change: c.196+51372G>A on transcript NM_134261.3 (MANE Select); 51372 bases into the intron after coding-DNA position 196, G replaced by A.
Molecular consequence: intron variant. On other transcripts: synonymous variant (2).
Genome position (GRCh38, 1-based): chr15:60,627,285, C>T on the plus strand (G>A on the coding strand, the complement: RORA is on the minus strand). VCF-style: chr15-60627285-C-T. GRCh37 (hg19) VCF-style: chr15-60919484-C-T.
Other names: c.90G>A, p.Gln30= (NM_002943.4, NM_134260.3).
Identifiers: ClinVar variation 5040401 (VCV005040401.1).